The following is an entry in ClinVar:

NM_033310.3(KCNK4):c.1058C>T (p.Thr353Met)

Genes: KCNK4 (potassium two pore domain channel subfamily K member 4; plus strand), KCNK4-CATSPERZ (KCNK4-CATSPERZ readthrough (NMD candidate); plus strand). Cytogenetic location: 11q13.1.
Variant type: single nucleotide variant.
Coding change: c.1058C>T on transcript NM_033310.3 (MANE Select); coding-DNA position 1058, C replaced by T.
Protein change: p.Thr353Met; replaces threonine 353 with methionine.
Molecular consequence: missense variant. On other transcripts: non-coding transcript variant (3).
Genome position (GRCh38, 1-based): chr11:64,299,602, C>T. VCF-style: chr11-64299602-C-T. GRCh37 (hg19) VCF-style: chr11-64067074-C-T.
Other names: c.1058C>T, p.Thr353Met (NM_001317090.2, NM_033311.1); short protein forms T353M.
Identifiers: ClinVar variation 2015927 (VCV002015927.4), dbSNP rs759401830, ClinGen allele CA381069117.

ClinVar aggregate classification (germline): Uncertain significance (1 of 4 stars; one submission).

Submission:

Labcorp Genetics (formerly Invitae), Labcorp
Classification: Uncertain significance. Last evaluated: 2022-08-25. Review status: criteria provided, single submitter. Criteria: Invitae Variant Classification Sherloc (09022015). Collection method: clinical testing. Allele origin: germline.
Comment: In summary, the available evidence is currently insufficient to determine the role of this variant in disease. Therefore, it has been classified as a Variant of Uncertain Significance. Algorithms developed to predict the effect of missense changes on protein structure and function are either unavailable or do not agree on the potential impact of this missense change (SIFT: "Not Available"; PolyPhen-2: "Probably Damaging"; Align-GVGD: "Not Available"). This variant has not been reported in the literature in individuals affected with KCNK4-related conditions. This variant is not present in population databases (gnomAD no frequency). This sequence change replaces threonine, which is neutral and polar, with methionine, which is neutral and non-polar, at codon 353 of the KCNK4 protein (p.Thr353Met).